The following is an entry in ClinVar:

NM_004638.4(PRRC2A):c.6279G>A (p.Thr2093=)

Gene: PRRC2A (proline rich coiled-coil 2A; plus strand). Cytogenetic location: 6p21.33.
Variant type: single nucleotide variant.
Coding change: c.6279G>A on transcript NM_004638.4 (MANE Select); coding-DNA position 6279, G replaced by A.
Protein change: p.Thr2093=; no amino-acid change (threonine 2093 retained).
Molecular consequence: synonymous variant.
Genome position (GRCh38, 1-based): chr6:31,637,270, G>A. VCF-style: chr6-31637270-G-A. GRCh37 (hg19) VCF-style: chr6-31605047-G-A.
Other names: c.6279G>A, p.Thr2093= (NM_080686.3).
Identifiers: ClinVar variation 3042335 (VCV003042335.2), dbSNP rs772388216, ClinGen allele CA3716814.

ClinVar aggregate classification (germline): Likely benign (0 of 4 stars; one submission).

Conditions:
PRRC2A-related disorder. Also called: PRRC2A-related condition.

Allele frequency attached by ClinVar (database versions not stated): gnomAD 0.00001; ExAC 0.00002; gnomAD exomes 0.00002.
gnomAD v4.1: 24 of 1,612,384 alleles (0.0015%); highest among the groups gnomAD compares: Admixed American, 0.0033%; no homozygotes.

Submission:

PreventionGenetics, part of Exact Sciences
Classification: Likely benign for PRRC2A-related condition. Last evaluated: 2023-04-20. Review status: no assertion criteria provided. Collection method: clinical testing. Allele origin: germline.
Comment: This variant is classified as likely benign based on ACMG/AMP sequence variant interpretation guidelines (Richards et al. 2015 PMID: 25741868, with internal and published modifications).